The following is an entry in ClinVar:

NM_004168.4(SDHA):c.379G>C (p.Val127Leu)

Gene: SDHA (succinate dehydrogenase complex flavoprotein subunit A; plus strand). Cytogenetic location: 5p15.33.
Variant type: single nucleotide variant.
Coding change: c.379G>C on transcript NM_004168.4 (MANE Select); coding-DNA position 379, G replaced by C.
Protein change: p.Val127Leu; replaces valine 127 with leucine.
Molecular consequence: missense variant. On other transcripts: intron variant (1).
Genome position (GRCh38, 1-based): chr5:225,485, G>C. VCF-style: chr5-225485-G-C. GRCh37 (hg19) VCF-style: chr5-225600-G-C.
Other names: c.379G>C, p.Val127Leu (NM_001330758.2); c.313-398G>C (NM_001294332.2); short protein forms V127L.
Identifiers: ClinVar variation 4827313 (VCV004827313.1).

ClinVar aggregate classification (germline): Uncertain significance (1 of 4 stars; one submission).

Conditions:
Hereditary cancer-predisposing syndrome. Also called: Neoplastic Syndromes, Hereditary; Tumor predisposition; Hereditary Cancer Syndrome; Hereditary neoplastic syndrome. Identifiers: Orphanet 140162, MedGen C0027672, MeSH D009386, MONDO:0015356.

Submission:

Ambry Genetics
Classification: Uncertain significance for Hereditary cancer-predisposing syndrome. Last evaluated: 2026-02-23. Review status: criteria provided, single submitter. Criteria: Ambry Variant Classification Scheme 2023. Collection method: clinical testing. Allele origin: germline.
Comment: The p.V127L variant (also known as c.379G>C), located in coding exon 4 of the SDHA gene, results from a G to C substitution at nucleotide position 379. The valine at codon 127 is replaced by leucine, an amino acid with highly similar properties. This amino acid position is conserved. In addition, this alteration is predicted to be deleterious by in silico analysis. Based on the available evidence, the clinical significance of this variant remains unclear.